The following is an entry in ClinVar:

NM_000377.3(WAS):c.647dup (p.Ala217fs)

Gene: WAS (WASP actin nucleation promoting factor; plus strand). Cytogenetic location: Xp11.23.
Variant type: Duplication.
Coding change: c.647dup on transcript NM_000377.3 (MANE Select); coding-DNA position 647, one base duplicated (C; older notation c.647dupC).
Protein change: p.Ala217fs; shifts the reading frame from alanine 217.
Molecular consequence: frameshift variant.
Genome position (GRCh38, 1-based): chrX:48,686,868, C duplicated; the last of 3 consecutive C bases (chrX:48,686,866-48,686,868); duplicating any one gives the same sequence. VCF-style (leftmost placement, unchanged base first): chrX-48686865-T-TC. GRCh37 (hg19) VCF-style: chrX-48545254-T-TC.
Other names: c.647dup, p.Ala217fs (NM_001438876.1, NM_001438877.1, NM_001438878.1 and 1 more transcripts); short protein forms A217fs.
Identifiers: ClinVar variation 4783870 (VCV004783870.1).

ClinVar aggregate classification (germline): Pathogenic (1 of 4 stars; one submission).

Conditions:
Thrombocytopenia 1. Also called: X-linked thrombocytopenia with normal platelets; X-Linked Thrombocytopenia (XLT); THROMBOCYTOPENIA, X-LINKED, 1. Identifiers: Orphanet 268322, Orphanet 852, MedGen C1839163, MONDO:0010743, OMIM 313900.
Wiskott-Aldrich syndrome (WAS). Also called: ALDRICH SYNDROME; IMMUNODEFICIENCY 2; WISKOTT-ALDRICH SYNDROME 1; Wiskott-aldrich syndrome, somatic. Identifiers: Orphanet 906, MedGen C0043194, MONDO:0010518, OMIM 301000.
X-linked severe congenital neutropenia (SCNX). Identifiers: Orphanet 86788, MedGen C1845987, MONDO:0010294, OMIM 300299.

Submission:

Labcorp Genetics (formerly Invitae), Labcorp
Classification: Pathogenic for Wiskott-Aldrich syndrome; X-linked severe congenital neutropenia; Thrombocytopenia 1. Last evaluated: 2025-12-24. Review status: criteria provided, single submitter. Criteria: Invitae Variant Classification Sherloc (09022015). Collection method: clinical testing. Allele origin: germline.
Comment: This sequence change creates a premature translational stop signal (p.Ala217Serfs*5) in the WAS gene. It is expected to result in an absent or disrupted protein product. Loss-of-function variants in WAS are known to be pathogenic (PMID: 15284122). This variant is not present in population databases (gnomAD no frequency). This premature translational stop signal has been observed in individual(s) with Wiskott–Aldrich syndrome (PMID: 21185603). This variant is also known as 645–648insC (L215fsX260). For these reasons, this variant has been classified as Pathogenic.

Literature cited by the submitters: PubMed 15284122; PubMed 21185603.